The following is an entry in ClinVar:

NM_015205.3(ATP11A):c.3183G>C (p.Arg1061Ser)

Gene: ATP11A (ATPase phospholipid transporting 11A; plus strand). Cytogenetic location: 13q34.
Variant type: single nucleotide variant.
Coding change: c.3183G>C on transcript NM_015205.3 (MANE Select); coding-DNA position 3183, G replaced by C.
Protein change: p.Arg1061Ser; replaces arginine 1061 with serine.
Molecular consequence: missense variant.
Genome position (GRCh38, 1-based): chr13:112,875,797, G>C. VCF-style: chr13-112875797-G-C. GRCh37 (hg19) VCF-style: chr13-113530111-G-C.
Other names: c.3183G>C, p.Arg1061Ser (NM_001405661.1, NM_001405662.1, NM_001405663.1 and 1 more transcripts); short protein forms R1061S.
Identifiers: ClinVar variation 4990606 (VCV004990606.1).

ClinVar aggregate classification (germline): Uncertain significance (1 of 4 stars; one submission).

Conditions:
ATP11A-related disorder. Also called: ATP11A-related condition.

gnomAD v4.1: 10 of 1,613,884 alleles (0.00062%); highest among the groups gnomAD compares: South Asian, 0.0099%; no homozygotes.

Submission:

PreventionGenetics, part of Exact Sciences
Classification: Uncertain significance for ATP11A-related condition. Last evaluated: 2026-01-14. Review status: criteria provided, single submitter. Criteria: ACMG Guidelines, 2015. Collection method: clinical testing. Allele origin: germline.
Comment: The ATP11A c.3183G>C variant is predicted to result in the amino acid substitution p.Arg1061Ser. To our knowledge, this variant has not been reported in the literature. This variant is reported in 0.0098% of alleles in individuals of South Asian descent in gnomAD. At this time, the clinical significance of this variant is uncertain due to the absence of conclusive functional and genetic evidence.